The following is an entry in ClinVar:

NM_001130009.3(GEN1):c.1637C>G (p.Ser546Cys)

Gene: GEN1 (GEN1 structure-specific endonuclease; plus strand). Cytogenetic location: 2p24.2.
Variant type: single nucleotide variant.
Coding change: c.1637C>G on transcript NM_001130009.3 (MANE Select); coding-DNA position 1637, C replaced by G.
Protein change: p.Ser546Cys; replaces serine 546 with cysteine.
Molecular consequence: missense variant.
Genome position (GRCh38, 1-based): chr2:17,780,849, C>G. VCF-style: chr2-17780849-C-G. GRCh37 (hg19) VCF-style: chr2-17962116-C-G.
Other names: c.1637C>G (NM_001130009.1); c.1637C>G, p.Ser546Cys (NM_182625.5); short protein forms S546C.
Identifiers: ClinVar variation 1444224 (VCV001444224.10), dbSNP rs373632814, ClinGen allele CA1540806.

ClinVar aggregate classification (germline): Uncertain significance. Review status: criteria provided, multiple submitters, no conflicts (2 of 4 stars). 2 submissions from 2 submitters: Uncertain significance (2). Last evaluated 2025-03-20.

Allele frequency attached by ClinVar (database versions not stated): gnomAD exomes 0.00001; ExAC 0.00002; gnomAD 0.00004; TOPMed 0.00004; ESP Exome Variant Server 0.00008.

Submissions (2):

Labcorp Genetics (formerly Invitae), Labcorp
Classification: Uncertain significance. Last evaluated: 2025-03-20. Review status: criteria provided, single submitter. Criteria: Invitae Variant Classification Sherloc (09022015). Collection method: clinical testing. Allele origin: germline.
Comment: This sequence change replaces serine, which is neutral and polar, with cysteine, which is neutral and slightly polar, at codon 546 of the GEN1 protein (p.Ser546Cys). This variant is present in population databases (rs373632814, gnomAD 0.007%). This variant has not been reported in the literature in individuals affected with GEN1-related conditions. ClinVar contains an entry for this variant (Variation ID: 1444224). An algorithm developed to predict the effect of missense changes on protein structure and function (PolyPhen-2) suggests that this variant is likely to be disruptive. In summary, the available evidence is currently insufficient to determine the role of this variant in disease. Therefore, it has been classified as a Variant of Uncertain Significance.

Ambry Genetics
Classification: Uncertain significance. Last evaluated: 2025-01-05. Review status: criteria provided, single submitter. Criteria: Ambry Variant Classification Scheme 2023. Collection method: clinical testing. Allele origin: germline.
Comment: The p.S546C variant (also known as c.1637C>G), located in coding exon 13 of the GEN1 gene, results from a C to G substitution at nucleotide position 1637. The serine at codon 546 is replaced by cysteine, an amino acid with dissimilar properties. This amino acid position is conserved. In addition, this alteration is predicted to be tolerated by in silico analysis. Based on the available evidence, the clinical significance of this variant remains unclear.